The following is an entry in ClinVar:

ClinVar aggregate classification (germline): Benign. Review status: criteria provided, multiple submitters, no conflicts (2 of 4 stars). 6 submissions from 6 submitters: Benign (6). Last evaluated 2026-02-03.

Allele frequency attached by ClinVar (database versions not stated): gnomAD 0.00612 and 0.00567; ESP Exome Variant Server 0.00646; TOPMed 0.00666; 1000 Genomes Project 0.00679; 1000 Genomes Project 30x 0.00718; gnomAD exomes 0.00168; ExAC 0.00190.
gnomAD v4.1: 1,782 of 1,614,202 alleles (0.11%); highest among the groups gnomAD compares: African/African-American, 2%; 17 homozygotes.

Submissions (6):

Labcorp Genetics (formerly Invitae), Labcorp
Classification: Benign. Last evaluated: 2026-02-03. Review status: criteria provided, single submitter. Criteria: Invitae Variant Classification Sherloc (09022015). Collection method: clinical testing. Allele origin: germline.

ARUP Laboratories, Molecular Genetics and Genomics, ARUP Laboratories
Classification: Benign. Last evaluated: 2025-04-08. Review status: criteria provided, single submitter. Criteria: ARUP Molecular Germline Variant Investigation Process 2024. Collection method: clinical testing. Allele origin: germline.

Genetic Services Laboratory, University of Chicago
Classification: Benign. Last evaluated: 2019-11-14. Review status: criteria provided, single submitter. Criteria: ACMG Guidelines, 2015. Collection method: clinical testing. Allele origin: germline. Affected: no.

GeneDx
Classification: Benign. Last evaluated: 2018-06-04. Review status: criteria provided, single submitter. Criteria: GeneDx Variant Classification (06012015). Collection method: clinical testing. Allele origin: germline. Affected: yes.
Comment: This variant is considered likely benign or benign based on one or more of the following criteria: it is a conservative change, it occurs at a poorly conserved position in the protein, it is predicted to be benign by multiple in silico algorithms, and/or has population frequency not consistent with disease.

Laboratory for Molecular Medicine, Mass General Brigham Personalized Medicine
Classification: Benign. Last evaluated: 2014-11-24. Review status: criteria provided, single submitter. Criteria: LMM Criteria. Collection method: clinical testing. Allele origin: germline. Observed: 2 variant alleles.
Comment: Pro450Pro in exon 9 of CACNA1D: This variant is not expected to have clinical si gnificance because it does not alter an amino acid residue and is not located wi thin the splice consensus sequence. It has been identified in 1.9% (84/4406) of African American chromosomes from a broad population by the NHLBI Exome Sequenci ng Project (dbSNP rs35434249).

Breakthrough Genomics
Classification: Benign. Review status: criteria provided, single submitter. Criteria: ACMG Guidelines, 2015. Collection method: not provided. Allele origin: germline. Inheritance: Autosomal recessive inheritance. Affected: yes.

NM_001128840.3(CACNA1D):c.1350G>A (p.Pro450=)

Gene: CACNA1D (calcium voltage-gated channel subunit alpha1 D; plus strand). Cytogenetic location: 3p21.1.
Variant type: single nucleotide variant.
Coding change: c.1350G>A on transcript NM_001128840.3 (MANE Select); coding-DNA position 1350, G replaced by A.
Protein change: p.Pro450=; no amino-acid change (proline 450 retained).
Molecular consequence: synonymous variant.
Genome position (GRCh38, 1-based): chr3:53,702,770, G>A. VCF-style: chr3-53702770-G-A. GRCh37 (hg19) VCF-style: chr3-53736797-G-A.
Other names: c.1350G>A, p.Pro450= (NM_000720.4, NM_001128839.3).
Identifiers: ClinVar variation 666616 (VCV000666616.18), dbSNP rs35434249, ClinGen allele CA2453893.